The following is an entry in ClinVar:

NM_025137.4(SPG11):c.4549C>G (p.Leu1517Val)

Gene: SPG11 (SPG11 vesicle trafficking associated, spatacsin; minus strand). Cytogenetic location: 15q21.1.
Variant type: single nucleotide variant.
Coding change: c.4549C>G on transcript NM_025137.4 (MANE Select); coding-DNA position 4549, C replaced by G.
Protein change: p.Leu1517Val; replaces leucine 1517 with valine.
Molecular consequence: missense variant.
Genome position (GRCh38, 1-based): chr15:44,595,345, G>C on the plus strand (C>G on the coding strand, the complement: SPG11 is on the minus strand). VCF-style: chr15-44595345-G-C. GRCh37 (hg19) VCF-style: chr15-44887543-G-C.
Other names: c.4549C>G, p.Leu1517Val (NM_001160227.2); short protein forms L1517V.
Identifiers: ClinVar variation 946470 (VCV000946470.9), dbSNP rs942704467, ClinGen allele CA270091223.

ClinVar aggregate classification (germline): Uncertain significance. Review status: criteria provided, multiple submitters, no conflicts (2 of 4 stars). 4 submissions from 4 submitters: Uncertain significance (4). Last evaluated 2025-07-15.

Conditions:
Hereditary spastic paraplegia 11. Also called: Nakamura Osame syndrome; Autosomal recessive hereditary spastic paraplegia, mental impairment, and thin corpus callosum; SPASTIC PARAPLEGIA, AUTOSOMAL RECESSIVE, COMPLICATED, WITH THIN CORPUS CALLOSUM; SPASTIC PARAPLEGIA, AUTOSOMAL RECESSIVE, WITH MENTAL IMPAIRMENT AND THIN CORPUS CALLOSUM; Spastic Paraplegia 11; Spastic paraplegia, mental retardation and thin corpus callosum. Identifiers: Orphanet 2822, MedGen C1858479, MONDO:0011445, OMIM 604360.
Inborn genetic diseases. Identifiers: MedGen C0950123, MeSH D030342.

Allele frequency attached by ClinVar (database versions not stated): gnomAD exomes below 0.00001.
gnomAD v4.1: 3 of 1,614,184 alleles (0.00019%); highest among the groups gnomAD compares: East Asian, 0.0022%; no homozygotes.

Submissions (4):

Ambry Genetics
Classification: Uncertain significance for Inborn genetic diseases. Last evaluated: 2025-07-15. Review status: criteria provided, single submitter. Criteria: Ambry Variant Classification Scheme 2023. Collection method: clinical testing. Allele origin: germline.

Blueprint Genetics
Classification: Uncertain significance. Last evaluated: 2024-11-01. Review status: criteria provided, single submitter. Criteria: ACMG Guidelines, 2015. Collection method: clinical testing. Allele origin: germline.

Labcorp Genetics (formerly Invitae), Labcorp
Classification: Uncertain significance for Hereditary spastic paraplegia 11. Last evaluated: 2022-08-16. Review status: criteria provided, single submitter. Criteria: Invitae Variant Classification Sherloc (09022015). Collection method: clinical testing. Allele origin: germline.
Comment: This sequence change replaces leucine, which is neutral and non-polar, with valine, which is neutral and non-polar, at codon 1517 of the SPG11 protein (p.Leu1517Val). This variant is present in population databases (no rsID available, gnomAD 0.006%). This variant has not been reported in the literature in individuals affected with SPG11-related conditions. ClinVar contains an entry for this variant (Variation ID: 946470). Algorithms developed to predict the effect of missense changes on protein structure and function are either unavailable or do not agree on the potential impact of this missense change (SIFT: "Deleterious"; PolyPhen-2: "Probably Damaging"; Align-GVGD: "Class C0"). In summary, the available evidence is currently insufficient to determine the role of this variant in disease. Therefore, it has been classified as a Variant of Uncertain Significance.

Revvity Omics, Revvity
Classification: Uncertain significance. Last evaluated: 2021-06-02. Review status: criteria provided, single submitter. Criteria: ACMG Guidelines, 2015. Collection method: clinical testing. Allele origin: germline.